The following is an entry in ClinVar:

ClinVar aggregate classification (germline): Pathogenic. Review status: criteria provided, multiple submitters, no conflicts (2 of 4 stars). 2 submissions from 2 submitters: Pathogenic (2). Last evaluated 2023-08-10.

Conditions:
Hereditary cancer-predisposing syndrome. Also called: Hereditary Cancer Syndrome; Hereditary neoplastic syndrome; Neoplastic Syndromes, Hereditary; Tumor predisposition. Identifiers: Orphanet 140162, MedGen C0027672, MeSH D009386, MONDO:0015356.
Lynch syndrome 5 (LYNCH5). Also called: Hereditary non-polyposis colorectal cancer, type 5; Colorectal cancer, hereditary nonpolyposis, type 5. Identifiers: Orphanet 144, MedGen C1833477, MONDO:0013710, OMIM 614350. Disease mechanism: loss of function.

Submissions (2):

Myriad Genetics, Inc.
Classification: Pathogenic for Lynch syndrome 5. Last evaluated: 2023-08-10. Review status: criteria provided, single submitter. Criteria: Myriad Autosomal Dominant, Autosomal Recessive and X-Linked Classification Criteria (2023). Collection method: clinical testing. Allele origin: unknown.
Comment: This variant is considered pathogenic. This variant creates a termination codon and is predicted to result in premature protein truncation.

Ambry Genetics
Classification: Pathogenic for Hereditary cancer-predisposing syndrome. Last evaluated: 2021-03-22. Review status: criteria provided, single submitter. Criteria: Ambry Variant Classification Scheme 2023. Collection method: clinical testing. Allele origin: germline.
Comment: The p.S154* pathogenic mutation (also known as c.461C>A), located in coding exon 3 of the MSH6 gene, results from a C to A substitution at nucleotide position 461. This changes the amino acid from a serine to a stop codon within coding exon 3. This alteration is expected to result in loss of function by premature protein truncation or nonsense-mediated mRNA decay. As such, this alteration is interpreted as a disease-causing mutation.

NM_000179.3(MSH6):c.461C>A (p.Ser154Ter)

Gene: MSH6 (mutS homolog 6; plus strand). Cytogenetic location: 2p16.3.
Variant type: single nucleotide variant.
Coding change: c.461C>A on transcript NM_000179.3 (MANE Select); coding-DNA position 461, C replaced by A.
Protein change: p.Ser154Ter; replaces serine 154 with a stop codon.
Molecular consequence: nonsense. On other transcripts: 5 prime UTR variant (1), intron variant (2).
Genome position (GRCh38, 1-based): chr2:47,795,897, C>A. VCF-style: chr2-47795897-C-A. GRCh37 (hg19) VCF-style: chr2-48023036-C-A.
Other names: c.-442C>A (NM_001281494.2); c.557C>A, p.Ser186Ter (NM_001406795.1, NM_001406802.1); c.461C>A, p.Ser154Ter (NM_001406796.1, NM_001406798.1, NM_001406800.1 and 5 more transcripts); c.164C>A, p.Ser55Ter (NM_001406797.1, NM_001406801.1, NM_001406805.1 and 10 more transcripts); c.-65C>A (NM_001406799.1, NM_001406806.1, NM_001406807.1); c.383C>A, p.Ser128Ter (NM_001406804.1); c.467C>A, p.Ser156Ter (NM_001406813.1); c.-534C>A (NM_001406814.1); and 3 more; short protein forms S156*, S55*, S98*, S128*, S154*, S186*.
Identifiers: ClinVar variation 1741942 (VCV001741942.3), dbSNP rs1553411391, ClinGen allele CA346738561.